The following is an entry in ClinVar:

ClinVar aggregate classification (germline): Uncertain significance (1 of 4 stars; one submission).

gnomAD v4.1: 18 of 1,610,348 alleles (0.0011%); highest among the groups gnomAD compares: Non-Finnish European, 0.00025%; no homozygotes.

Submission:

Labcorp Genetics (formerly Invitae), Labcorp
Classification: Uncertain significance. Last evaluated: 2025-01-06. Review status: criteria provided, single submitter. Criteria: Invitae Variant Classification Sherloc (09022015). Collection method: clinical testing. Allele origin: germline.
Comment: This sequence change replaces arginine, which is basic and polar, with cysteine, which is neutral and slightly polar, at codon 116 of the SERPINH1 protein (p.Arg116Cys). The frequency data for this variant in the population databases is considered unreliable, as metrics indicate poor data quality at this position in the gnomAD database. This variant has not been reported in the literature in individuals affected with SERPINH1-related conditions. ClinVar contains an entry for this variant (Variation ID: 1988372). Invitae Evidence Modeling of protein sequence and biophysical properties (such as structural, functional, and spatial information, amino acid conservation, physicochemical variation, residue mobility, and thermodynamic stability) indicates that this missense variant is not expected to disrupt SERPINH1 protein function with a negative predictive value of 80%. In summary, the available evidence is currently insufficient to determine the role of this variant in disease. Therefore, it has been classified as a Variant of Uncertain Significance.

NM_001235.5(SERPINH1):c.346C>T (p.Arg116Cys)

Gene: SERPINH1 (serpin family H member 1; plus strand). Cytogenetic location: 11q13.5.
Variant type: single nucleotide variant.
Coding change: c.346C>T on transcript NM_001235.5 (MANE Select); coding-DNA position 346, C replaced by T.
Protein change: p.Arg116Cys; replaces arginine 116 with cysteine.
Molecular consequence: missense variant.
Genome position (GRCh38, 1-based): chr11:75,566,695, C>T. VCF-style: chr11-75566695-C-T. GRCh37 (hg19) VCF-style: chr11-75277740-C-T.
Other names: c.346C>T, p.Arg116Cys (NM_001207014.3); short protein forms R116C.
Identifiers: ClinVar variation 1988372 (VCV001988372.3), dbSNP rs200265134, ClinGen allele CA6190785.